The following is an entry in ClinVar:

NM_006231.4(POLE):c.5654C>G (p.Ala1885Gly)

Gene: POLE (DNA polymerase epsilon, catalytic subunit; minus strand). Cytogenetic location: 12q24.33.
Variant type: single nucleotide variant.
Coding change: c.5654C>G on transcript NM_006231.4 (MANE Select); coding-DNA position 5654, C replaced by G.
Protein change: p.Ala1885Gly; replaces alanine 1885 with glycine.
Molecular consequence: missense variant.
Genome position (GRCh38, 1-based): chr12:132,638,038, G>C on the plus strand (C>G on the coding strand, the complement: POLE is on the minus strand). VCF-style: chr12-132638038-G-C. GRCh37 (hg19) VCF-style: chr12-133214624-G-C.
Other names: short protein forms A1885G.
Identifiers: ClinVar variation 1748883 (VCV001748883.2), dbSNP rs2138500404, ClinGen allele CA387373967.

ClinVar aggregate classification (germline): Uncertain significance (1 of 4 stars; one submission).

Conditions:
Hereditary cancer-predisposing syndrome. Also called: Hereditary Cancer Syndrome; Hereditary neoplastic syndrome; Neoplastic Syndromes, Hereditary; Tumor predisposition. Identifiers: Orphanet 140162, MedGen C0027672, MeSH D009386, MONDO:0015356.

Submission:

Ambry Genetics
Classification: Uncertain significance for Hereditary cancer-predisposing syndrome. Last evaluated: 2021-10-29. Review status: criteria provided, single submitter. Criteria: Ambry Variant Classification Scheme 2023. Collection method: clinical testing. Allele origin: germline.
Comment: The p.A1885G variant (also known as c.5654C>G), located in coding exon 41 of the POLE gene, results from a C to G substitution at nucleotide position 5654. The alanine at codon 1885 is replaced by glycine, an amino acid with similar properties. This amino acid position is conserved. In addition, this alteration is predicted to be tolerated by in silico analysis. Since supporting evidence is limited at this time, the clinical significance of this alteration remains unclear.